The following is an entry in ClinVar:

NM_032119.4(ADGRV1):c.14973-2A>G

Gene: ADGRV1 (adhesion G protein-coupled receptor V1; plus strand). Cytogenetic location: 5q14.3.
Variant type: single nucleotide variant.
Coding change: c.14973-2A>G on transcript NM_032119.4 (MANE Select); the canonical splice acceptor site of the intron before coding-DNA position 14973, A replaced by G.
Molecular consequence: splice acceptor variant.
Genome position (GRCh38, 1-based): chr5:90,810,231, A>G. VCF-style: chr5-90810231-A-G. GRCh37 (hg19) VCF-style: chr5-90106048-A-G.
Identifiers: ClinVar variation 46275 (VCV000046275.22), dbSNP rs371981035, ClinGen allele CA261833.

ClinVar aggregate classification (germline): Pathogenic/Likely pathogenic. Review status: criteria provided, multiple submitters, no conflicts (2 of 4 stars). 9 submissions from 9 submitters: Pathogenic (6); Likely pathogenic (2). 1 of the submissions does not count toward it. Last evaluated 2026-08-26.

Conditions:
Usher syndrome. Also called: Usher Syndromes; Usher's syndrome. Identifiers: Orphanet 886, MedGen CN469326, MeSH D052245, MONDO:0019501. Disease mechanism: loss of function.
Usher syndrome type 2. Also called: Usher Syndrome Type II. Identifiers: Orphanet 231178, MedGen C0339534, MONDO:0016484.
Rare genetic deafness. Identifiers: Orphanet 96210, MedGen C5680250.
ADGRV1-related disorder. Also called: ADGRV1-related disorders; ADGRV1-related condition.
Febrile seizures, familial, 4 (FEB4). Also called: CONVULSIONS, FAMILIAL FEBRILE, 4. Identifiers: MedGen C1858493, MONDO:0011443, OMIM 604352.
Usher syndrome type 2C. Also called: Usher syndrome, type 2B; USHER SYNDROME, TYPE IIC. Identifiers: Orphanet 231178, Orphanet 886, MedGen C2931213, MONDO:0011558, OMIM 605472.

Allele frequency attached by ClinVar (database versions not stated): gnomAD exomes 0.00002 and 0.00006; TOPMed 0.00003; ESP Exome Variant Server 0.00009; gnomAD 0.00009; ExAC 0.00013.
gnomAD v4.1: 45 of 1,534,776 alleles (0.0029%); highest among the groups gnomAD compares: African/African-American, 0.0014%; no homozygotes.

Submissions (9):

GeneDx
Classification: Pathogenic. Last evaluated: 2026-08-26. Review status: criteria provided, single submitter. Criteria: GeneDx Variant Classification Process June 2021. Collection method: clinical testing. Allele origin: germline.
Comment: Reported in association with inherited retinal diseases in published literature (PMID: 32037395, 31456290); Canonical splice site variant predicted to result in a null allele in a gene for which loss of function is a known mechanism of disease; This variant is associated with the following publications: (PMID: 31456290, 31964843, 32037395, 31980526, 37798099)

PreventionGenetics, part of Exact Sciences
Classification: Pathogenic for ADGRV1-related condition. Last evaluated: 2026-04-23. Review status: criteria provided, single submitter. Criteria: ACMG Guidelines, 2015. Collection method: clinical testing. Allele origin: germline.
Comment: The ADGRV1 c.14973-2A>G variant is predicted to disrupt the AG splice acceptor site and interfere with normal splicing. This variant has been reported as causative for Usher syndrome (supplementary data, Sharon et al. 2020. PubMed ID: 31456290; supplementary data, Zampaglione et al. 2020. PubMed ID: 32037395; Table S1, Hayman et al. 2024. PubMed ID: 37798099). This variant is reported in 0.16% of alleles in individuals of Ashkenazi Jewish descent in gnomAD. Variants that disrupt the consensus splice acceptor site in ADGRV1 are expected to be pathogenic. This variant is interpreted as pathogenic.

Labcorp Genetics (formerly Invitae), Labcorp
Classification: Pathogenic. Last evaluated: 2026-01-24. Review status: criteria provided, single submitter. Criteria: Invitae Variant Classification Sherloc (09022015). Collection method: clinical testing. Allele origin: germline.
Comment: This sequence change affects an acceptor splice site in intron 73 of the ADGRV1 gene. It is expected to disrupt RNA splicing. Variants that disrupt the donor or acceptor splice site typically lead to a loss of protein function (PMID: 16199547), and loss-of-function variants in ADGRV1 are known to be pathogenic (PMID: 19357117, 22135276, 22147658, 26226137, 30718709, 31047384, 32467589). This variant is present in population databases (rs371981035, gnomAD 0.2%). Disruption of this splice site has been observed in individuals with Usher syndrome (PMID: 31456290, 31980526, 32037395; internal data). ClinVar contains an entry for this variant (Variation ID: 46275). Algorithms developed to predict the effect of sequence changes on RNA splicing suggest that this variant may disrupt the consensus splice site. For these reasons, this variant has been classified as Pathogenic.

Women's Health and Genetics/Laboratory Corporation of America, LabCorp
Classification: Likely pathogenic for Usher syndrome. Last evaluated: 2025-06-10. Review status: criteria provided, single submitter. Criteria: LabCorp Variant Classification Summary - May 2015. Collection method: clinical testing. Allele origin: germline.
Comment: Variant summary: ADGRV1 c.14973-2A>G is located in a canonical splice-site and is predicted to affect mRNA splicing resulting in a significantly altered protein due to either exon skipping, shortening, or inclusion of intronic material. Variants that disrupt the consensus splice site are a relatively common cause of aberrant splicing and loss of ADGRV1 function. Several computational tools predict a significant impact on normal splicing: Four predict the variant abolishes a 3 acceptor site. Two predict the variant creates a 3 acceptor site. Two predict the variant strengthens a cryptic 3 acceptor site. However, these predictions have yet to be confirmed by functional studies. The variant allele was found at a frequency of 6.3e-05 in 158958 control chromosomes. This frequency is not significantly higher than estimated for a pathogenic variant in ADGRV1 causing Usher Syndrome (6.3e-05 vs 0.0054), allowing no conclusion about variant significance. c.14973-2A>G has been reported in the literature in individuals affected with Usher Syndrome (e.g. Zampaglione_2020, Sharon_2020, internal data). These data indicate that the variant may be associated with disease. To our knowledge, no experimental evidence demonstrating an impact on protein function has been reported. The following publications have been ascertained in the context of this evaluation (PMID: 37798099, 31980526, 31456290, 32037395). ClinVar contains an entry for this variant (Variation ID: 46275). Based on the evidence outlined above, the variant was classified as likely pathogenic.

Victorian Clinical Genetics Services, Murdoch Childrens Research Institute
Classification: Pathogenic for Usher syndrome type 2C. Last evaluated: 2024-10-09. Review status: criteria provided, single submitter. Criteria: ACMG Guidelines, 2015. Collection method: clinical testing. Allele origin: germline. Inheritance: Autosomal recessive inheritance. Affected: yes.
Comment: Based on the classification scheme VCGS_Germline_v1.3.4, this variant is classified as Pathogenic. Following criteria are met: 0102 - Loss of function is a known mechanism of disease in this gene and is associated with Usher syndrome, type 2C (MIM#605472). (I) 0106 - This gene is associated with autosomal recessive disease. The association between monoallelic variants and febrile seizures, familial, 4 (MIM#604352) has not been established (PanelApp Australia). (I) 0211 - Canonical splice site variant without proven consequence on splicing (no functional evidence available). (SP) 0251 - This variant is heterozygous. (I) 0304 - Variant is present in gnomAD <0.01 for a recessive condition (v3: 13 heterozygotes, 0 homozygotes). (SP) 0311 - An alternative nucleotide change at the same canonical splice site is present in gnomAD (v3: 1 heterozygote, 0 homozygotes). (I) 0505 - Abnormal splicing is predicted by in silico tools and affected nucleotide is highly conserved. (SP) 0801 - This variant has strong previous evidence of pathogenicity in unrelated individuals. It has been reported as pathogenic/likely pathogenic by multiple clinical testing laboratories (ClinVar). It has also been reported in the literature as homozygous in an individual with Usher syndrome (PMID: 37798099). (SP) 1208 - Inheritance information for this variant is not currently available in this individual. (I) Legend: (SP) - Supporting pathogenic, (I) - Information, (SB) - Supporting benign

Blueprint Genetics
Classification: Pathogenic for ADGRV1-related disorders. Last evaluated: 2024-07-02. Review status: criteria provided, single submitter. Criteria: ACMG Guidelines, 2015. Collection method: clinical testing. Allele origin: germline. Affected: yes. Observed: 5 variant alleles.

Fulgent Genetics
Classification: Likely pathogenic for Febrile seizures, familial, 4; Usher syndrome type 2C. Last evaluated: 2024-02-08. Review status: criteria provided, single submitter. Criteria: ACMG Guidelines, 2015. Collection method: clinical testing. Allele origin: germline.

Laboratory for Molecular Medicine, Mass General Brigham Personalized Medicine
Classification: Pathogenic for Rare genetic deafness. Last evaluated: 2020-07-03. Review status: criteria provided, single submitter. Criteria: LMM Criteria. Collection method: clinical testing. Allele origin: germline. Inheritance: Autosomal recessive inheritance. Observed: 3 variant alleles.
Comment: It has also been identified in 0.16% (12/7704) of Ashkenazi Jewish chromosomes and 1/84474 European chromosomes by gnomAD and has been reported in ClinVar (Variation ID: 46275). This variant occurs within the canonical splice site (+/- 1,2) and is predicted to cause altered splicing leading to an abnormal or absent protein. Loss of function of the ADGRV1 gene is an established disease mechanism in autosomal recessive Usher syndrome. In summary, this variant meets criteria to be classified as pathogenic for autosomal recessive Usher syndrome. ACMG/AMP Criteria applied: PVS1, PM3, PP1, PP4

Sharon lab, Hadassah-Hebrew University Medical Center
Classification: Pathogenic for Usher syndrome type 2. Last evaluated: 2019-06-23. Review status: no assertion criteria provided. Collection method: research. Allele origin: inherited. Affected: yes. Not counted in ClinVar's aggregate classification.

Literature cited by the submitters: PubMed 16199547 (cited by Labcorp Genetics (formerly Invitae), Labcorp); PubMed 19357117 (cited by Labcorp Genetics (formerly Invitae), Labcorp); PubMed 22135276 (cited by Labcorp Genetics (formerly Invitae), Labcorp); PubMed 22147658 (cited by Labcorp Genetics (formerly Invitae), Labcorp); PubMed 26226137 (cited by Labcorp Genetics (formerly Invitae), Labcorp); PubMed 30718709 (cited by Labcorp Genetics (formerly Invitae), Labcorp); PubMed 31047384 (cited by Labcorp Genetics (formerly Invitae), Labcorp); PubMed 32467589 (cited by Labcorp Genetics (formerly Invitae), Labcorp); PubMed 31456290 (cited by Labcorp Genetics (formerly Invitae), Labcorp and Women's Health and Genetics/Laboratory Corporation of America, LabCorp); PubMed 31980526 (cited by Labcorp Genetics (formerly Invitae), Labcorp and Women's Health and Genetics/Laboratory Corporation of America, LabCorp); PubMed 32037395 (cited by Labcorp Genetics (formerly Invitae), Labcorp and Women's Health and Genetics/Laboratory Corporation of America, LabCorp); PubMed 37798099 (cited by Women's Health and Genetics/Laboratory Corporation of America, LabCorp and Victorian Clinical Genetics Services, Murdoch Childrens Research Institute).